The following is an entry in ClinVar:

ClinVar aggregate classification (germline): Benign/Likely benign. Review status: criteria provided, multiple submitters, no conflicts (2 of 4 stars). 20 submissions from 19 submitters: Benign (13); Likely benign (4). 3 of the submissions do not count toward it. Last evaluated 2026-02-04.

Conditions:
Hereditary cancer-predisposing syndrome. Also called: Neoplastic Syndromes, Hereditary; Hereditary Cancer Syndrome; Tumor predisposition; Hereditary neoplastic syndrome. Identifiers: Orphanet 140162, MedGen C0027672, MeSH D009386, MONDO:0015356.
Hereditary breast ovarian cancer syndrome. Also called: Hereditary breast and/or ovarian cancer syndrome; Hereditary breast and ovarian cancer syndrome (HBOC); Hereditary breast and ovarian cancer syndrome; Hereditary breast and ovarian cancer; Breast and ovarian cancer; BRCA1- and BRCA2-Associated Hereditary Breast and Ovarian Cancer. Identifiers: Orphanet 145, MedGen C0677776, MeSH D061325, MONDO:0003582. Disease mechanism: loss of function.
Familial cancer of breast. Also called: Hereditary breast cancer; hereditary breast carcinoma; BREAST CANCER, FAMILIAL. Identifiers: Orphanet 227535, MedGen C0346153, MONDO:0016419, OMIM 114480. Disease mechanism: loss of function.

Submissions (20):

Labcorp Genetics (formerly Invitae), Labcorp
Classification: Benign for Familial cancer of breast. Last evaluated: 2026-02-04. Review status: criteria provided, single submitter. Criteria: Invitae Variant Classification Sherloc (09022015). Collection method: clinical testing. Allele origin: germline.

ARUP Laboratories, Molecular Genetics and Genomics, ARUP Laboratories
Classification: Benign for Familial cancer of breast. Last evaluated: 2025-07-23. Review status: criteria provided, single submitter. Criteria: ARUP Molecular Germline Variant Investigation Process 2024. Collection method: clinical testing. Allele origin: germline.

Center for Genomic Medicine, Rigshospitalet, Copenhagen University Hospital
Classification: Benign. Last evaluated: 2025-03-04. Review status: criteria provided, single submitter. Criteria: ACMG Guidelines, 2015. Collection method: clinical testing. Allele origin: germline.

Blueprint Genetics
Classification: Likely benign. Last evaluated: 2024-11-26. Review status: criteria provided, single submitter. Criteria: ACMG Guidelines, 2015. Collection method: clinical testing. Allele origin: germline.

KCCC/NGS Laboratory, Kuwait Cancer Control Center
Classification: Benign for Familial cancer of breast. Last evaluated: 2023-07-07. Review status: criteria provided, single submitter. Criteria: ACMG Guidelines, 2015. Collection method: clinical testing. Allele origin: germline. Affected: yes.

Mayo Clinic Laboratories, Mayo Clinic
Classification: Benign. Last evaluated: 2023-04-26. Review status: criteria provided, single submitter. Criteria: ACMG Guidelines, 2015. Collection method: clinical testing. Allele origin: germline. Observed: 30 variant alleles.
Comment: BA1

Myriad Genetics, Inc.
Classification: Benign for Familial cancer of breast. Last evaluated: 2023-02-24. Review status: criteria provided, single submitter. Criteria: Myriad Autosomal Dominant, Autosomal Recessive and X-Linked Classification Criteria (2023). Collection method: clinical testing. Allele origin: unknown.
Comment: This variant is considered benign. This variant has been observed at a population frequency that is significantly greater than expected given the associated disease prevalence and penetrance. This variant is strongly associated with less severe personal and family histories of cancer, typical for individuals without pathogenic variants in this gene [PMID: 25085752].

National Health Laboratory Service, Universitas Academic Hospital and University of the Free State
Classification: Benign for Hereditary breast ovarian cancer syndrome. Last evaluated: 2022-04-19. Review status: criteria provided, single submitter. Criteria: ACMG Guidelines, 2015. Collection method: clinical testing. Allele origin: germline. Affected: yes. Observed: 29 variant alleles.

Institute for Clinical Genetics, University Hospital TU Dresden, University Hospital TU Dresden
Classification: Likely benign. Last evaluated: 2021-11-03. Review status: criteria provided, single submitter. Criteria: ACMG Guidelines, 2015. Collection method: clinical testing. Allele origin: germline.

Sema4
Classification: Benign for Hereditary cancer-predisposing syndrome. Last evaluated: 2020-10-20. Review status: criteria provided, single submitter. Criteria: Sema4 Curation Guidelines. Collection method: curation. Allele origin: germline.

Quest Diagnostics Nichols Institute San Juan Capistrano
Classification: Benign. Last evaluated: 2020-07-08. Review status: criteria provided, single submitter. Criteria: Quest Diagnostics criteria. Collection method: clinical testing. Allele origin: unknown.

Mendelics
Classification: Likely benign for Familial cancer of breast. Last evaluated: 2019-05-28. Review status: criteria provided, single submitter. Criteria: Mendelics Assertion Criteria 2017. Collection method: clinical testing. Allele origin: unknown.

Institute of Human Genetics, University of Leipzig Medical Center
Classification: Likely benign for Familial cancer of breast. Last evaluated: 2019-01-01. Review status: criteria provided, single submitter. Criteria: ACMG Guidelines, 2015. Collection method: clinical testing. Allele origin: unknown. Affected: yes.

GeneDx
Classification: Benign. Last evaluated: 2018-06-12. Review status: criteria provided, single submitter. Criteria: GeneDx Variant Classification Process June 2021. Collection method: clinical testing. Allele origin: germline. Affected: yes.

PreventionGenetics, part of Exact Sciences
Classification: Benign. Last evaluated: 2016-07-19. Review status: criteria provided, single submitter. Criteria: ACMG Guidelines, 2015. Collection method: clinical testing. Allele origin: germline.

Ambry Genetics
Classification: Benign for Neoplastic Syndromes, Hereditary. Last evaluated: 2014-11-18. Review status: criteria provided, single submitter. Criteria: Ambry Autosomal Dominant and X-Linked criteria (9/4/14). Collection method: clinical testing. Allele origin: germline.

Color Diagnostics, LLC DBA Color Health
Classification: Benign for Hereditary cancer-predisposing syndrome. Last evaluated: 2014-11-14. Review status: criteria provided, single submitter. Criteria: ACMG Guidelines, 2015. Collection method: clinical testing. Allele origin: germline.

Counsyl
Classification: Benign for Familial cancer of breast. Last evaluated: 2016-07-06. Review status: no assertion criteria provided. Collection method: clinical testing. Allele origin: unknown. Not counted in ClinVar's aggregate classification.

Department of Pathology and Laboratory Medicine, Sinai Health System
Classification: Benign. Review status: no assertion criteria provided. Collection method: clinical testing. Allele origin: unknown. Affected: yes. Study: The Canadian Open Genetics Repository (COGR). Not counted in ClinVar's aggregate classification.
Comment: The BARD1 p.Leu359_Pro365del variant was identified in 19 of 926 proband chromosomes (frequency: 0.0205) from individuals or families with hereditary breast and ovarian cancer and was present in 4 of 140 control chromosomes (frequency: 0.03) from healthy individuals, and is reported in the literature as a polymorphism (De Brakeleer 2010, De Brakeleer 2015, Ishitobi 2003, Liu 2017, Irminger-Finger 2015). The variant was also identified in ClinVar as benign (by Ambry Genetics, GeneDx, Invitae, and Counsyl), and the Zhejiang Colon Cancer Database. The variant was not identified in Cosmic, and MutDB databases. The variant was identified in control databases in 7807 of 277012 chromosomes at a frequency of 0.03 increasing the likelihood this could be a low frequency benign variant (Genome Aggregation Consortium Feb 27, 2017). The variant was identified in the following populations at a frequency greater than 1%: South Asian (52 homozygous) in 2152 of 30774 chromosomes (freq: 0.07), East Asian (8 homozygous) in 834 of 18854 chromosomes (freq: 0.044), African (9 homozygous) in 986 of 24026 chromosomes (freq: 0.041), Latino (2 homozygous) in 1167 of 34380 chromosomes (freq: 0.034), Other in 209 of 6462 chromosomes (freq: 0.032), European (Non-Finnish) in 2254 of 126574 chromosomes (freq: 0.018), Ashkenazi Jewish in 118 of 10152 chromosomes (freq: 0.012). This variant is an in-frame deletion resulting in the removal of a 7 amino acid residues from codon 359 to 365; the impact of this alteration on BARD1 protein function is not known. The variant occurs outside of the splicing consensus sequence and in silico or computational prediction software programs (SpliceSiteFinder, MaxEntScan, NNSPLICE, GeneSplicer, HumanSpliceFinder) do not predict a difference in splicing. In summary, based on the above information this variant meets our laboratory's criteria to be classified as benign.

Ambry Genetics
Classification: Benign for Neoplastic Syndromes, Hereditary. Last evaluated: 2012-09-17. Review status: flagged submission. Criteria: Ambry Autosomal Dominant and X-Linked criteria (9/4/14). Collection method: clinical testing. Allele origin: germline. Not counted in ClinVar's aggregate classification.
ClinVar note: Reason: This record appears to be redundant with a more recent record from the same submitter.
ClinVar note: Notes: SCV000172828 appears to be redundant with SCV000172840.

Literature cited by the submitters: PubMed 25085752 (cited by Myriad Genetics, Inc.); PubMed 20077502 (cited by Quest Diagnostics Nichols Institute San Juan Capistrano and Counsyl); PubMed 17972171 (cited by Quest Diagnostics Nichols Institute San Juan Capistrano); PubMed 9425226 (cited by Quest Diagnostics Nichols Institute San Juan Capistrano); PubMed 14550946 (cited by Quest Diagnostics Nichols Institute San Juan Capistrano and Counsyl); PubMed 11807980 (cited by Quest Diagnostics Nichols Institute San Juan Capistrano); PubMed 26738429 (cited by Quest Diagnostics Nichols Institute San Juan Capistrano); PubMed 20842729 (cited by Quest Diagnostics Nichols Institute San Juan Capistrano).

NM_000465.4(BARD1):c.1075_1095del (p.Leu359_Pro365del)

Gene: BARD1 (BRCA1 associated RING domain 1; minus strand). Cytogenetic location: 2q35.
Variant type: Deletion.
Coding change: c.1075_1095del on transcript NM_000465.4 (MANE Select); coding-DNA positions 1075 to 1095, 21 bases deleted (TTGCCTGAATGTTCTTCACCA).
Protein change: p.Leu359_Pro365del.
Genome position (GRCh38, 1-based): chr2:214,780,779-214,780,799, TGGTGAAGAACATTCAGGCAA deleted on the plus strand (TTGCCTGAATGTTCTTCACCA on the coding strand, the reverse complement: BARD1 is on the minus strand); deleting any 21 consecutive bases within chr2:214,780,779-214,780,803 gives the same sequence; the c. name uses the placement nearest the transcript's 3' end. VCF-style (leftmost placement, unchanged base first): chr2-214780778-GTGGTGAAGAACATTCAGGCAA-G. GRCh37 (hg19) VCF-style: chr2-215645502-GTGGTGAAGAACATTCAGGCAA-G.
Other names: NP_000456.2:p.Leu359_Pro365del; c.1075_1095delTTGCCTGAATGTTCTTCACCA (NM_000465.2, NM_000465.3); c.1018_1038del, p.Leu340_Pro346del (NM_001282543.2); c.159-28244_159-28224del (NM_001282548.2); c.215+16262_215+16282del (NM_001282545.2); c.364+11498_364+11518del (NM_001282549.2).
Identifiers: ClinVar variation 140795 (VCV000140795.47), dbSNP rs28997575, ClinGen allele CA090905.
Genomic context (GRCh38, chr2:214,780,778, plus strand): 5'-CATCGGACATGTTACTGTTTTTCCTCCCTGATGTACCACCAACTTTACGTTTGCATGAAG[GTGGTGAAGAACATTCAGGCAA>G]TGGTATATTTTCTGAGGGCACCGTTTGCTTAACAAAATCTCCACTGGTGCTCAGAATGCT-3'